The following is an entry in ClinVar:

NM_000051.4(ATM):c.5006-3T>C

Gene: ATM (ATM serine/threonine kinase; plus strand). Cytogenetic location: 11q22.3.
Variant type: single nucleotide variant.
Coding change: c.5006-3T>C on transcript NM_000051.4 (MANE Select); 3 bases into the intron before coding-DNA position 5006, T replaced by C.
Molecular consequence: intron variant.
Genome position (GRCh38, 1-based): chr11:108,299,711, T>C. VCF-style: chr11-108299711-T-C. GRCh37 (hg19) VCF-style: chr11-108170438-T-C.
Other names: c.5006-3T>C (NM_001351834.2).
Identifiers: ClinVar variation 1017815 (VCV001017815.10), dbSNP rs761297488, ClinGen allele CA6265623.

ClinVar aggregate classification (germline): Likely benign. Review status: criteria provided, multiple submitters, no conflicts (2 of 4 stars). 3 submissions from 3 submitters: Likely benign (3). Last evaluated 2025-05-25.

Conditions:
Familial cancer of breast. Also called: hereditary breast carcinoma; BREAST CANCER, FAMILIAL; Hereditary breast cancer. Identifiers: Orphanet 227535, MedGen C0346153, MONDO:0016419, OMIM 114480. Disease mechanism: loss of function.
Hereditary cancer-predisposing syndrome. Also called: Tumor predisposition; Hereditary Cancer Syndrome; Neoplastic Syndromes, Hereditary; Hereditary neoplastic syndrome. Identifiers: Orphanet 140162, MedGen C0027672, MeSH D009386, MONDO:0015356.
Ataxia-telangiectasia syndrome (AT). Also called: Cerebello-oculocutaneous telangiectasia; Immunodeficiency with ataxia telangiectasia; ATAXIA-TELANGIECTASIA, COMPLEMENTATION GROUP A; ATAXIA-TELANGIECTASIA, FRESNO VARIANT; LOUIS-BAR SYNDROME; Ataxia-telangiectasia, complementation group E. Identifiers: Orphanet 100, MedGen C0004135, MONDO:0008840, OMIM 208900.

Allele frequency attached by ClinVar (database versions not stated): gnomAD exomes below 0.00001; ExAC 0.00001; gnomAD 0.00001.
gnomAD v4.1: 2 of 1,613,336 alleles (0.00012%); highest among the groups gnomAD compares: African/African-American, 0.0027%; no homozygotes.

Submissions (3):

Labcorp Genetics (formerly Invitae), Labcorp
Classification: Likely benign for Ataxia-telangiectasia syndrome. Last evaluated: 2025-05-25. Review status: criteria provided, single submitter. Criteria: Invitae Variant Classification Sherloc (09022015). Collection method: clinical testing. Allele origin: germline.

Myriad Genetics, Inc.
Classification: Likely benign for Familial cancer of breast. Last evaluated: 2024-05-22. Review status: criteria provided, single submitter. Criteria: Myriad Autosomal Dominant, Autosomal Recessive and X-Linked Classification Criteria (2023). Collection method: clinical testing. Allele origin: unknown.
Comment: This variant is considered likely benign. This variant is intronic and is not expected to impact mRNA splicing.

Ambry Genetics
Classification: Likely benign for Hereditary cancer-predisposing syndrome. Last evaluated: 2020-06-24. Review status: criteria provided, single submitter. Criteria: Ambry Variant Classification Scheme 2023. Collection method: clinical testing. Allele origin: germline.